The following is an entry in ClinVar:

ClinVar aggregate classification (germline): Uncertain significance. Review status: criteria provided, multiple submitters, no conflicts (2 of 4 stars). 4 submissions from 4 submitters: Uncertain significance (4). Last evaluated 2025-07-24.

Conditions:
Cardiovascular phenotype. Identifiers: MedGen CN230736.
Hereditary cancer-predisposing syndrome. Also called: Tumor predisposition; Neoplastic Syndromes, Hereditary; Hereditary Cancer Syndrome; Hereditary neoplastic syndrome. Identifiers: Orphanet 140162, MedGen C0027672, MeSH D009386, MONDO:0015356.
Neurofibromatosis, type 1 (NF1). Also called: NEUROFIBROMATOSIS, TYPE I, SOMATIC; Neurofibromatosis, type I; VON RECKLINGHAUSEN DISEASE; Peripheral type neurofibromatosis. Identifiers: Orphanet 636, MedGen C0027831, MONDO:0018975, OMIM 162200. Disease mechanism: loss of function.
Juvenile myelomonocytic leukemia (JMML). Also called: LEUKEMIA, JUVENILE MYELOMONOCYTIC, SOMATIC. Identifiers: Orphanet 86834, MedGen C0349639, MONDO:0011908, OMIM 607785, HP:0012209.

Allele frequency attached by ClinVar (database versions not stated): TOPMed below 0.00001; ExAC 0.00001; gnomAD 0.00001.
gnomAD v4.1: 1 of 1,614,000 alleles (0.000062%); highest among the groups gnomAD compares: Admixed American, 0.0017%; no homozygotes.

Submissions (4):

Labcorp Genetics (formerly Invitae), Labcorp
Classification: Uncertain significance for Neurofibromatosis, type 1. Last evaluated: 2025-07-24. Review status: criteria provided, single submitter. Criteria: Invitae Variant Classification Sherloc (09022015). Collection method: clinical testing. Allele origin: germline.
Comment: This sequence change replaces leucine, which is neutral and non-polar, with valine, which is neutral and non-polar, at codon 2067 of the NF1 protein (p.Leu2067Val). This variant is present in population databases (rs752569823, gnomAD 0.003%). This variant has not been reported in the literature in individuals affected with NF1-related conditions. ClinVar contains an entry for this variant (Variation ID: 1059120). Invitae Evidence Modeling of protein sequence and biophysical properties (such as structural, functional, and spatial information, amino acid conservation, physicochemical variation, residue mobility, and thermodynamic stability) indicates that this missense variant is expected to disrupt NF1 protein function with a positive predictive value of 95%. In summary, the available evidence is currently insufficient to determine the role of this variant in disease. Therefore, it has been classified as a Variant of Uncertain Significance.

Baylor Genetics
Classification: Uncertain significance for Juvenile myelomonocytic leukemia. Last evaluated: 2024-02-20. Review status: criteria provided, single submitter. Criteria: ACMG Guidelines, 2015. Collection method: clinical testing. Allele origin: unknown.

GeneDx
Classification: Uncertain significance. Last evaluated: 2023-04-03. Review status: criteria provided, single submitter. Criteria: GeneDx Variant Classification Process June 2021. Collection method: clinical testing. Allele origin: germline. Affected: yes.
Comment: In silico analysis supports that this missense variant has a deleterious effect on protein structure/function; Has not been previously published as pathogenic or benign to our knowledge

Ambry Genetics
Classification: Uncertain significance for Cardiovascular phenotype; Hereditary cancer-predisposing syndrome. Last evaluated: 2022-08-26. Review status: criteria provided, single submitter. Criteria: Ambry Variant Classification Scheme 2023. Collection method: clinical testing. Allele origin: germline.
Comment: The p.L2067V variant (also known as c.6199C>G), located in coding exon 41 of the NF1 gene, results from a C to G substitution at nucleotide position 6199. The leucine at codon 2067 is replaced by valine, an amino acid with highly similar properties. This amino acid position is highly conserved in available vertebrate species. In addition, this alteration is predicted to be deleterious by in silico analysis. Since supporting evidence is limited at this time, the clinical significance of this alteration remains unclear.

NM_001042492.3(NF1):c.6262C>G (p.Leu2088Val)

Gene: NF1 (neurofibromin 1; plus strand). Cytogenetic location: 17q11.2.
Variant type: single nucleotide variant.
Coding change: c.6262C>G on transcript NM_001042492.3 (MANE Select); coding-DNA position 6262, C replaced by G.
Protein change: p.Leu2088Val; replaces leucine 2088 with valine.
Molecular consequence: missense variant.
Genome position (GRCh38, 1-based): chr17:31,336,749, C>G. VCF-style: chr17-31336749-C-G. GRCh37 (hg19) VCF-style: chr17-29663767-C-G.
Other names: c.6199C>G, p.Leu2067Val (NM_000267.4); short protein forms L2067V, L2088V.
Identifiers: ClinVar variation 1059120 (VCV001059120.9), dbSNP rs752569823, ClinGen allele CA8487328.